The following is an entry in ClinVar:

NM_001009944.3(PKD1):c.7104_7118del (p.Leu2368_Cys2373delinsPhe)

Gene: PKD1 (polycystin 1, transient receptor potential channel interacting; minus strand). Cytogenetic location: 16p13.3.
Variant type: Deletion.
Coding change: c.7104_7118del on transcript NM_001009944.3 (MANE Select); coding-DNA positions 7104 to 7118, 15 bases deleted (GGAGTGTGTGTCCTG).
Protein change: p.Leu2368_Cys2373delinsPhe.
Molecular consequence: inframe indel.
Genome position (GRCh38, 1-based): chr16:2,106,896-2,106,910, CAGGACACACACTCC deleted on the plus strand (GGAGTGTGTGTCCTG on the coding strand, the reverse complement: PKD1 is on the minus strand). VCF-style (leftmost placement, unchanged base first): chr16-2106895-GCAGGACACACACTCC-G. GRCh37 (hg19) VCF-style: chr16-2156896-GCAGGACACACACTCC-G.
Other names: c.7104_7118del, p.Leu2368_Cys2373delinsPhe (NM_000296.4).
Identifiers: ClinVar variation 1709743 (VCV001709743.2), dbSNP rs2544784949, ClinGen allele CA2580090961.

ClinVar aggregate classification (germline): Uncertain significance (1 of 4 stars; one submission).

Conditions:
Polycystic kidney disease, adult type (PKD1). Also called: Polycystic Kidney, Autosomal Dominant; Polycystic Kidney Disease 1, Autosomal Dominant; Polycystic kidney disease 1; Polycystic kidney disease 1, severe; POLYCYSTIC KIDNEY DISEASE 1 WITH OR WITHOUT POLYCYSTIC LIVER DISEASE; POLYCYSTIC KIDNEY DISEASE, ADULT, TYPE I. Identifiers: MedGen C3149841, MONDO:0008263, OMIM 173900.

Submission:

MGZ Medical Genetics Center
Classification: Uncertain significance for Polycystic kidney disease, adult type. Last evaluated: 2022-08-03. Review status: criteria provided, single submitter. Criteria: ACMG Guidelines, 2015. Collection method: clinical testing. Allele origin: germline. Affected: yes. Observed: 1 variant allele.
Comment: ACMG criteria applied: PM4, PM2_SUP, PP4